The following is an entry in ClinVar:

ClinVar aggregate classification (germline): Uncertain significance (1 of 4 stars; one submission).

gnomAD v4.1: 29 of 1,614,124 alleles (0.0018%); highest among the groups gnomAD compares: Non-Finnish European, 0.0024%; no homozygotes.

Submission:

Labcorp Genetics (formerly Invitae), Labcorp
Classification: Uncertain significance. Last evaluated: 2025-06-01. Review status: criteria provided, single submitter. Criteria: Invitae Variant Classification Sherloc (09022015). Collection method: clinical testing. Allele origin: germline.
Comment: This sequence change replaces glycine, which is neutral and non-polar, with arginine, which is basic and polar, at codon 36 of the ARHGEF10 protein (p.Gly36Arg). This variant is present in population databases (rs774578667, gnomAD 0.002%). This variant has not been reported in the literature in individuals affected with ARHGEF10-related conditions. An algorithm developed to predict the effect of missense changes on protein structure and function (PolyPhen-2) suggests that this variant is likely to be disruptive. In summary, the available evidence is currently insufficient to determine the role of this variant in disease. Therefore, it has been classified as a Variant of Uncertain Significance.

NM_014629.4(ARHGEF10):c.106G>A (p.Gly36Arg)

Gene: ARHGEF10 (Rho guanine nucleotide exchange factor 10; plus strand). Cytogenetic location: 8p23.3.
Variant type: single nucleotide variant.
Coding change: c.106G>A on transcript NM_014629.4 (MANE Select); coding-DNA position 106, G replaced by A.
Protein change: p.Gly36Arg; replaces glycine 36 with arginine.
Molecular consequence: missense variant.
Genome position (GRCh38, 1-based): chr8:1,858,028, G>A. VCF-style: chr8-1858028-G-A. GRCh37 (hg19) VCF-style: chr8-1806194-G-A.
Other names: c.106G>A, p.Gly36Arg (NM_001308152.2, NM_001308153.3, NM_001438091.1 and 3 more transcripts); short protein forms G36R, G60R.
Identifiers: ClinVar variation 4704959 (VCV004704959.1).